The following is an entry in ClinVar:

NM_000260.4(MYO7A):c.2221G>A (p.Asp741Asn)

Gene: MYO7A (myosin VIIA; plus strand). Cytogenetic location: 11q13.5.
Variant type: single nucleotide variant.
Coding change: c.2221G>A on transcript NM_000260.4 (MANE Select); coding-DNA position 2221, G replaced by A.
Protein change: p.Asp741Asn; replaces aspartic acid 741 with asparagine.
Molecular consequence: missense variant.
Genome position (GRCh38, 1-based): chr11:77,177,582, G>A. VCF-style: chr11-77177582-G-A. GRCh37 (hg19) VCF-style: chr11-76888628-G-A.
Other names: c.2221G>A, p.Asp741Asn (NM_001127180.2); c.2188G>A, p.Asp730Asn (NM_001369365.1); short protein forms D730N, D741N.
Identifiers: ClinVar variation 2504867 (VCV002504867.2), dbSNP rs2497126196, ClinGen allele CA381940430.
Genomic context (GRCh38, chr11:77,177,582, plus strand): 5'-GCGCTGCTCAGGAGCTCTGCCTCCTAGGACCACCATGACATGCTGCTGGAAGTGGAGCGG[G>A]ACAAAGCCATCACCGACAGAGTCATCCTCCTTCAGAAAGTCATCCGGGGATTCAAAGACA-3'
Protein context (NP_000251.3, residues 731-751): HHDMLLEVER[Asp741Asn]KAITDRVILL

ClinVar aggregate classification (germline): Conflicting classifications of pathogenicity. Review status: criteria provided, conflicting classifications (1 of 4 stars). 2 submissions from 2 submitters: Likely pathogenic (1); Uncertain significance (1). Last evaluated 2023-12-22.

Conditions:
Auditory neuropathy. Identifiers: MedGen C1852271, MONDO:0021944.

Submissions (2):

WangQJ Lab, Chinese People's Liberation Army General Hospital
Classification: Likely pathogenic for Auditory neuropathy. Last evaluated: 2023-12-22. Review status: criteria provided, single submitter. Criteria: Submitter's publication. Collection method: research. Allele origin: germline. Affected: yes. Observed: 1 variant allele.

GeneDx
Classification: Uncertain significance. Last evaluated: 2022-12-07. Review status: criteria provided, single submitter. Criteria: GeneDx Variant Classification Process June 2021. Collection method: clinical testing. Allele origin: germline. Affected: yes.
Comment: Not observed at significant frequency in large population cohorts (gnomAD); In silico analysis supports that this missense variant has a deleterious effect on protein structure/function; Has not been previously published as pathogenic or benign to our knowledge